The following is an entry in ClinVar:

NM_015015.3(KDM4B):c.1771del (p.Ala591fs)

Genes: KDM4B (lysine demethylase 4B; plus strand), LOC130063244 (ATAC-STARR-seq lymphoblastoid active region 13796; plus strand). Cytogenetic location: 19p13.3.
Variant type: Deletion.
Coding change: c.1771del on transcript NM_015015.3 (MANE Select); coding-DNA position 1771, one base deleted (G; older notation c.1771delG).
Protein change: p.Ala591fs; shifts the reading frame from alanine 591.
Molecular consequence: frameshift variant.
Genome position (GRCh38, 1-based): chr19:5,131,531, G deleted; the last of 3 consecutive G bases (chr19:5,131,529-5,131,531); deleting any one gives the same sequence. VCF-style (leftmost placement, unchanged base first): chr19-5131528-CG-C. GRCh37 (hg19) VCF-style: chr19-5131539-CG-C.
Other names: c.1873del, p.Ala625fs (NM_001411148.1); short protein forms A591fs, A625fs.
Identifiers: ClinVar variation 4293073 (VCV004293073.1).

ClinVar aggregate classification (germline): Likely pathogenic (1 of 4 stars; one submission).

Conditions:
Intellectual developmental disorder, autosomal dominant 65. Also called: MENTAL RETARDATION, AUTOSOMAL DOMINANT 65. Identifiers: MedGen C5543371, MONDO:0023657, OMIM 619320.

Submission:

3billion
Classification: Likely pathogenic for Intellectual developmental disorder, autosomal dominant 65. Last evaluated: 2024-09-24. Review status: criteria provided, single submitter. Criteria: ACMG Guidelines, 2015. Collection method: clinical testing. Allele origin: germline. Affected: yes.
Comment: The variant is not observed in the gnomAD v4.0.0 dataset. Predicted Consequence/Location: Frameshift: predicted to result in a loss or disruption of normal protein function through nonsense-mediated decay (NMD) or protein truncation. Multiple pathogenic variants are reported downstream of the variant. Therefore, this variant is classified as Likely pathogenic according to the recommendation of ACMG/AMP guideline.